The following is an entry in ClinVar:

NM_020232.5(PSMG2):c.499C>G (p.Arg167Gly)

Gene: PSMG2 (proteasome assembly chaperone 2; plus strand). Cytogenetic location: 18p11.21.
Variant type: single nucleotide variant.
Coding change: c.499C>G on transcript NM_020232.5 (MANE Select); coding-DNA position 499, C replaced by G.
Protein change: p.Arg167Gly; replaces arginine 167 with glycine.
Molecular consequence: missense variant.
Genome position (GRCh38, 1-based): chr18:12,720,601, C>G. VCF-style: chr18-12720601-C-G. GRCh37 (hg19) VCF-style: chr18-12720600-C-G.
Other names: c.406C>G, p.Arg136Gly (NM_147163.2); short protein forms R167G, R136G.
Identifiers: ClinVar variation 2709284 (VCV002709284.3), dbSNP rs765937525, ClinGen allele CA401968567.

ClinVar aggregate classification (germline): Uncertain significance (1 of 4 stars; one submission).

Submission:

Labcorp Genetics (formerly Invitae), Labcorp
Classification: Uncertain significance. Last evaluated: 2024-01-13. Review status: criteria provided, single submitter. Criteria: Invitae Variant Classification Sherloc (09022015). Collection method: clinical testing. Allele origin: germline.
Comment: This sequence change replaces arginine, which is basic and polar, with glycine, which is neutral and non-polar, at codon 167 of the PSMG2 protein (p.Arg167Gly). This variant is not present in population databases (gnomAD no frequency). This variant has not been reported in the literature in individuals affected with PSMG2-related conditions. An algorithm developed to predict the effect of missense changes on protein structure and function (PolyPhen-2) suggests that this variant is likely to be tolerated. In summary, the available evidence is currently insufficient to determine the role of this variant in disease. Therefore, it has been classified as a Variant of Uncertain Significance.